The following is an entry in ClinVar:

ClinVar aggregate classification (germline): Uncertain significance. Review status: criteria provided, multiple submitters, no conflicts (2 of 4 stars). 2 submissions from 2 submitters: Uncertain significance (2). Last evaluated 2026-01-18.

Conditions:
Hereditary cancer-predisposing syndrome. Also called: Neoplastic Syndromes, Hereditary; Tumor predisposition; Hereditary Cancer Syndrome; Hereditary neoplastic syndrome. Identifiers: Orphanet 140162, MedGen C0027672, MeSH D009386, MONDO:0015356.
Tuberous sclerosis 2 (TSC2). Identifiers: Orphanet 805, MedGen C1860707, MONDO:0013199, OMIM 613254.

Allele frequency attached by ClinVar (database versions not stated): gnomAD exomes below 0.00001.
gnomAD v4.1: 2 of 1,597,530 alleles (0.00013%); highest among the groups gnomAD compares: African/African-American, 0.0027%; no homozygotes.

Submissions (2):

Labcorp Genetics (formerly Invitae), Labcorp
Classification: Uncertain significance for Tuberous sclerosis 2. Last evaluated: 2026-01-18. Review status: criteria provided, single submitter. Criteria: Invitae Variant Classification Sherloc (09022015). Collection method: clinical testing. Allele origin: germline.
Comment: This sequence change replaces glycine, which is neutral and non-polar, with tryptophan, which is neutral and slightly polar, at codon 682 of the TSC2 protein (p.Gly682Trp). This variant is not present in population databases (gnomAD no frequency). This variant has not been reported in the literature in individuals affected with TSC2-related conditions. ClinVar contains an entry for this variant (Variation ID: 567157). Invitae Evidence Modeling of protein sequence and biophysical properties (such as structural, functional, and spatial information, amino acid conservation, physicochemical variation, residue mobility, and thermodynamic stability) indicates that this missense variant is not expected to disrupt TSC2 protein function with a negative predictive value of 95%. In summary, the available evidence is currently insufficient to determine the role of this variant in disease. Therefore, it has been classified as a Variant of Uncertain Significance.

Ambry Genetics
Classification: Uncertain significance for Hereditary cancer-predisposing syndrome. Last evaluated: 2025-11-09. Review status: criteria provided, single submitter. Criteria: Ambry Variant Classification Scheme 2023. Collection method: clinical testing. Allele origin: germline.
Comment: The p.G682W variant (also known as c.2044G>T), located in coding exon 18 of the TSC2 gene, results from a G to T substitution at nucleotide position 2044. The glycine at codon 682 is replaced by tryptophan, an amino acid with highly dissimilar properties. This amino acid position is conserved. In addition, this alteration is predicted to be deleterious by in silico analysis. Based on the available evidence, the clinical significance of this variant remains unclear.

NM_000548.5(TSC2):c.2044G>T (p.Gly682Trp)

Gene: TSC2 (TSC complex subunit 2; plus strand). Cytogenetic location: 16p13.3.
Variant type: single nucleotide variant.
Coding change: c.2044G>T on transcript NM_000548.5 (MANE Select); coding-DNA position 2044, G replaced by T.
Protein change: p.Gly682Trp; replaces glycine 682 with tryptophan.
Molecular consequence: missense variant.
Genome position (GRCh38, 1-based): chr16:2,071,881, G>T. VCF-style: chr16-2071881-G-T. GRCh37 (hg19) VCF-style: chr16-2121882-G-T.
Other names: c.2044G>T, p.Gly682Trp (NM_001077183.3, NM_001114382.3, NM_001363528.2 and 3 more transcripts); c.1933G>T, p.Gly645Trp (NM_001318827.2); c.1897G>T, p.Gly633Trp (NM_001318829.2); c.1444G>T, p.Gly482Trp (NM_001318831.2); c.2077G>T, p.Gly693Trp (NM_001318832.2); short protein forms G682W, G645W, G633W, G693W, G482W.
Identifiers: ClinVar variation 567157 (VCV000567157.11), dbSNP rs1432565227, ClinGen allele CA394274577.